The following is an entry in ClinVar:

NM_000260.4(MYO7A):c.2564T>C (p.Leu855Pro)

Gene: MYO7A (myosin VIIA; plus strand). Cytogenetic location: 11q13.5.
Variant type: single nucleotide variant.
Coding change: c.2564T>C on transcript NM_000260.4 (MANE Select); coding-DNA position 2564, T replaced by C.
Protein change: p.Leu855Pro; replaces leucine 855 with proline.
Molecular consequence: missense variant.
Genome position (GRCh38, 1-based): chr11:77,179,931, T>C. VCF-style: chr11-77179931-T-C. GRCh37 (hg19) VCF-style: chr11-76890977-T-C.
Other names: c.2564T>C, p.Leu855Pro (NM_001127180.2); c.2531T>C, p.Leu844Pro (NM_001369365.1); short protein forms L844P, L855P.
Identifiers: ClinVar variation 4277295 (VCV004277295.2).

ClinVar aggregate classification (germline): Uncertain significance. Review status: criteria provided, multiple submitters, no conflicts (2 of 4 stars). 2 submissions from 2 submitters: Uncertain significance (2). Last evaluated 2025-09-30.

Conditions:
Hearing impairment. Also called: Impaired Hearing. Identifiers: MedGen C1384666, MONDO:0005365, HP:0000365.

Submissions (2):

Clinical Genetics Laboratory, Skane University Hospital Lund
Classification: Uncertain significance for Hearing impairment. Last evaluated: 2025-09-30. Review status: criteria provided, single submitter. Criteria: ACMG Guidelines, 2015. Collection method: clinical testing. Allele origin: germline. Affected: yes.
Comment: PM2

Blueprint Genetics
Classification: Uncertain significance. Last evaluated: 2024-03-26. Review status: criteria provided, single submitter. Criteria: ACMG Guidelines, 2015. Collection method: clinical testing. Allele origin: germline.